The following is an entry in ClinVar:

ClinVar aggregate classification (germline): Conflicting classifications of pathogenicity. Review status: criteria provided, conflicting classifications (1 of 4 stars). 8 submissions from 8 submitters: Uncertain significance (1); Benign (1); Likely benign (6). Last evaluated 2025-11-12.

Conditions:
Inborn genetic diseases. Identifiers: MedGen C0950123, MeSH D030342.
Charcot-Marie-Tooth disease dominant intermediate E. Also called: CHARCOT-MARIE-TOOTH NEUROPATHY WITH FOCAL SEGMENTAL GLOMERULONEPHRITIS. Identifiers: Orphanet 93114, MedGen C4302667, MONDO:0013758, OMIM 614455.
Focal segmental glomerulosclerosis 5 (FSGS5). Identifiers: Orphanet 656, MedGen C2750475, MONDO:0013191, OMIM 613237.
INF2-related disorder. Also called: INF2-related condition.

Allele frequency attached by ClinVar (database versions not stated): gnomAD 0.00022; TOPMed 0.00022; 1000 Genomes Project 30x 0.00031; gnomAD exomes 0.00034; ESP Exome Variant Server 0.00016; 1000 Genomes Project 0.00020.
gnomAD v4.1: 512 of 1,606,362 alleles (0.032%); highest among the groups gnomAD compares: Non-Finnish European, 0.041%; 1 homozygote.

Submissions (8):

PreventionGenetics, part of Exact Sciences
Classification: Likely benign for INF2-related condition. Last evaluated: 2025-11-12. Review status: criteria provided, single submitter. Criteria: ACMG Guidelines, 2015. Collection method: clinical testing. Allele origin: germline.
Comment: This variant is classified as likely benign based on ACMG/AMP sequence variant interpretation guidelines (Richards et al. 2015 PMID: 25741868, with internal and published modifications).

Women's Health and Genetics/Laboratory Corporation of America, LabCorp
Classification: Likely benign. Last evaluated: 2025-11-05. Review status: criteria provided, single submitter. Criteria: LabCorp Variant Classification Summary - May 2015. Collection method: clinical testing. Allele origin: germline.
Comment: Variant summary: INF2 c.3563C>T (p.Ser1188Phe) results in a non-conservative amino acid change in the encoded protein sequence. Algorithms developed to predict the effect of missense changes on protein structure and function all suggest that this variant is likely to be disruptive. The variant allele was found at a frequency of 0.00026 in 241212 control chromosomes, predominantly at a frequency of 0.00051 within the Non-Finnish European subpopulation in the gnomAD database. The observed variant frequency within Non-Finnish European control individuals in the gnomAD database exceeds the estimated maximal expected allele frequency for disease-causing variants in INF2. To our knowledge, no occurrence of c.3563C>T in individuals affected with INF2-related conditions and no experimental evidence demonstrating its impact on protein function have been reported. ClinVar contains an entry for this variant (Variation ID: 312711). Based on the evidence outlined above, the variant was classified as likely benign.

Labcorp Genetics (formerly Invitae), Labcorp
Classification: Likely benign for Charcot-Marie-Tooth disease dominant intermediate E; Focal segmental glomerulosclerosis 5. Last evaluated: 2025-11-03. Review status: criteria provided, single submitter. Criteria: Invitae Variant Classification Sherloc (09022015). Collection method: clinical testing. Allele origin: germline.

CeGaT Center for Human Genetics Tuebingen
Classification: Likely benign. Last evaluated: 2025-10-01. Review status: criteria provided, single submitter. Criteria: CeGaT Center For Human Genetics Tuebingen Variant Classification Criteria Version 2. Collection method: clinical testing. Allele origin: germline. Affected: yes. Observed: 2 variant alleles.
Comment: INF2: BS1

GeneDx
Classification: Likely benign. Last evaluated: 2021-03-17. Review status: criteria provided, single submitter. Criteria: GeneDx Variant Classification Process June 2021. Collection method: clinical testing. Allele origin: germline. Affected: yes.
Comment: This variant is associated with the following publications: (PMID: 26215859)

Ambry Genetics
Classification: Likely benign for Inborn genetic diseases. Last evaluated: 2019-12-10. Review status: criteria provided, single submitter. Criteria: Ambry Variant Classification Scheme 2023. Collection method: clinical testing. Allele origin: germline.

Illumina Laboratory Services, Illumina
Classification: Benign for Focal segmental glomerulosclerosis 5. Last evaluated: 2018-01-13. Review status: criteria provided, single submitter. Criteria: ICSL Variant Classification Criteria 13 December 2019. Collection method: clinical testing. Allele origin: germline.
Comment: This variant was observed in the ICSL laboratory as part of a predisposition screen in an ostensibly healthy population. It had not been previously curated by ICSL or reported in the Human Gene Mutation Database (HGMD: prior to June 1st, 2018), and was therefore a candidate for classification through an automated scoring system. Utilizing variant allele frequency, disease prevalence and penetrance estimates, and inheritance mode, an automated score was calculated to assess if this variant is too frequent to cause the disease. Based on the score and internal cut-off values, a variant classified as benign is not then subjected to further curation. The score for this variant resulted in a classification of benign for this disease.

ARUP Laboratories, Molecular Genetics and Genomics, ARUP Laboratories
Classification: Uncertain significance. Last evaluated: 2016-09-28. Review status: criteria provided, single submitter. Criteria: ARUP Molecular Germline Variant Investigation Process. Collection method: clinical testing. Allele origin: germline.

NM_022489.4(INF2):c.3563C>T (p.Ser1188Phe)

Gene: INF2 (inverted formin 2; plus strand). Cytogenetic location: 14q32.33.
Variant type: single nucleotide variant.
Coding change: c.3563C>T on transcript NM_022489.4 (MANE Select); coding-DNA position 3563, C replaced by T.
Protein change: p.Ser1188Phe; replaces serine 1188 with phenylalanine.
Molecular consequence: missense variant.
Genome position (GRCh38, 1-based): chr14:104,714,725, C>T. VCF-style: chr14-104714725-C-T. GRCh37 (hg19) VCF-style: chr14-105181062-C-T.
Other names: c.3563C>T, p.Ser1188Phe (NM_001031714.4); short protein forms S1188F.
Identifiers: ClinVar variation 312711 (VCV000312711.42), dbSNP rs201715539, ClinGen allele CA7373307.